The following is an entry in ClinVar:

ClinVar aggregate classification (germline): Pathogenic. Review status: criteria provided, single submitter (1 of 4 stars). 2 submissions from 2 submitters: Pathogenic (1). 1 of the submissions does not count toward it. Last evaluated 2023-03-09.

Conditions:
Hereditary breast ovarian cancer syndrome. Also called: Hereditary breast and ovarian cancer syndrome; Hereditary breast and ovarian cancer; Hereditary breast and ovarian cancer syndrome (HBOC); Breast and ovarian cancer; Hereditary breast and/or ovarian cancer syndrome; BRCA1- and BRCA2-Associated Hereditary Breast and Ovarian Cancer. Identifiers: Orphanet 145, MedGen C0677776, MeSH D061325, MONDO:0003582. Disease mechanism: loss of function.
Breast-ovarian cancer, familial, susceptibility to, 2 (BROVCA2). Also called: BRCA2 Hereditary Breast and Ovarian Cancer. Identifiers: Orphanet 145, MedGen C2675520, MONDO:0012933, OMIM 612555. Disease mechanism: loss of function.

Submissions (2):

Labcorp Genetics (formerly Invitae), Labcorp
Classification: Pathogenic for Hereditary breast ovarian cancer syndrome. Last evaluated: 2023-03-09. Review status: criteria provided, single submitter. Criteria: Invitae Variant Classification Sherloc (09022015). Collection method: clinical testing. Allele origin: germline.
Comment: This variant is also known as IVS2+2T>A. ClinVar contains an entry for this variant (Variation ID: 52162). Studies have shown that disruption of this splice site results in skipping of exon 2 and introduces a premature termination codon (PMID: 17011978, 22505045). The resulting mRNA is expected to undergo nonsense-mediated decay. For these reasons, this variant has been classified as Pathogenic. Disruption of this splice site has been observed in individual(s) with breast cancer and/or ovarian cancer (PMID: 18092194, 21063910, 31742824). It has also been observed to segregate with disease in related individuals. This sequence change affects a donor splice site in intron 2 of the BRCA2 gene. RNA analysis indicates that disruption of this splice site induces altered splicing and may result in an absent or disrupted protein product. This variant is not present in population databases (gnomAD no frequency).

Breast Cancer Information Core (BIC) (BRCA2)
Classification: Pathogenic for Breast-ovarian cancer, familial 2. Last evaluated: 2003-02-24. Review status: no assertion criteria provided. Collection method: clinical testing. Allele origin: germline. Affected: yes. Observed: 1 variant allele. Not counted in ClinVar's aggregate classification.

Literature cited by the submitters: PubMed 17011978 (cited by Labcorp Genetics (formerly Invitae), Labcorp); PubMed 22505045 (cited by Labcorp Genetics (formerly Invitae), Labcorp); PubMed 18092194 (cited by Labcorp Genetics (formerly Invitae), Labcorp); PubMed 21063910 (cited by Labcorp Genetics (formerly Invitae), Labcorp); PubMed 31742824 (cited by Labcorp Genetics (formerly Invitae), Labcorp).

NM_000059.4(BRCA2):c.67+2T>A

Gene: BRCA2 (BRCA2 DNA repair associated; plus strand). Cytogenetic location: 13q13.1.
Variant type: single nucleotide variant.
Coding change: c.67+2T>A on transcript NM_000059.4 (MANE Select); the canonical splice donor site of the intron after coding-DNA position 67, T replaced by A.
Molecular consequence: splice donor variant. On other transcripts: intron variant (1).
Genome position (GRCh38, 1-based): chr13:32,316,529, T>A. VCF-style: chr13-32316529-T-A. GRCh37 (hg19) VCF-style: chr13-32890666-T-A.
Other names: IVS2+2T>A; c.67+2T>A (NM_001406720.1, NM_001406719.1, NM_001406721.1); c.-303+862T>A (NM_001406722.1).
Identifiers: ClinVar variation 52162 (VCV000052162.7), dbSNP rs81002885, ClinGen allele CA024344.